The following is an entry in ClinVar:

NM_020461.4(TUBGCP6):c.3053G>A (p.Ser1018Asn)

Gene: TUBGCP6 (tubulin gamma complex component 6; minus strand). Cytogenetic location: 22q13.33.
Variant type: single nucleotide variant.
Coding change: c.3053G>A on transcript NM_020461.4 (MANE Select); coding-DNA position 3053, G replaced by A.
Protein change: p.Ser1018Asn; replaces serine 1018 with asparagine.
Molecular consequence: missense variant.
Genome position (GRCh38, 1-based): chr22:50,221,306, C>T on the plus strand (G>A on the coding strand, the complement: TUBGCP6 is on the minus strand). VCF-style: chr22-50221306-C-T. GRCh37 (hg19) VCF-style: chr22-50659735-C-T.
Other names: short protein forms S1018N.
Identifiers: ClinVar variation 2132213 (VCV002132213.4), dbSNP rs2519137137, ClinGen allele CA412185196.

ClinVar aggregate classification (germline): Uncertain significance (1 of 4 stars; one submission).

Submission:

Labcorp Genetics (formerly Invitae), Labcorp
Classification: Uncertain significance. Last evaluated: 2024-02-23. Review status: criteria provided, single submitter. Criteria: Invitae Variant Classification Sherloc (09022015). Collection method: clinical testing. Allele origin: germline.
Comment: This sequence change replaces serine, which is neutral and polar, with asparagine, which is neutral and polar, at codon 1018 of the TUBGCP6 protein (p.Ser1018Asn). This variant is not present in population databases (gnomAD no frequency). This variant has not been reported in the literature in individuals affected with TUBGCP6-related conditions. ClinVar contains an entry for this variant (Variation ID: 2132213). Algorithms developed to predict the effect of missense changes on protein structure and function output the following: SIFT: "Not Available"; PolyPhen-2: "Benign"; Align-GVGD: "Not Available". The asparagine amino acid residue is found in multiple mammalian species, which suggests that this missense change does not adversely affect protein function. In summary, the available evidence is currently insufficient to determine the role of this variant in disease. Therefore, it has been classified as a Variant of Uncertain Significance.